The following is an entry in ClinVar:

ClinVar aggregate classification (germline): Pathogenic (1 of 4 stars; one submission).

Conditions:
DNA ligase IV deficiency. Identifiers: Orphanet 99812, MedGen C1847827, MONDO:0011686, OMIM 606593.

Submission:

Labcorp Genetics (formerly Invitae), Labcorp
Classification: Pathogenic for DNA ligase IV deficiency. Last evaluated: 2024-02-02. Review status: criteria provided, single submitter. Criteria: Invitae Variant Classification Sherloc (09022015). Collection method: clinical testing. Allele origin: germline.
Comment: This sequence change creates a premature translational stop signal (p.Glu757*) in the LIG4 gene. While this is not anticipated to result in nonsense mediated decay, it is expected to disrupt the last 155 amino acid(s) of the LIG4 protein. This variant is not present in population databases (gnomAD no frequency). This variant has not been reported in the literature in individuals affected with LIG4-related conditions. This variant disrupts a region of the LIG4 protein in which other variant(s) (p.Gln904*) have been determined to be pathogenic (PMID: 34630384). This suggests that this is a clinically significant region of the protein, and that variants that disrupt it are likely to be disease-causing. For these reasons, this variant has been classified as Pathogenic.

Literature cited by the submitters: PubMed 34630384.

NM_206937.2(LIG4):c.2269G>T (p.Glu757Ter)

Gene: LIG4 (DNA ligase 4; minus strand). Cytogenetic location: 13q33.3.
Variant type: single nucleotide variant.
Coding change: c.2269G>T on transcript NM_206937.2 (MANE Select); coding-DNA position 2269, G replaced by T.
Protein change: p.Glu757Ter; replaces glutamic acid 757 with a stop codon.
Molecular consequence: nonsense.
Genome position (GRCh38, 1-based): chr13:108,209,000, C>A on the plus strand (G>T on the coding strand, the complement: LIG4 is on the minus strand). VCF-style: chr13-108209000-C-A. GRCh37 (hg19) VCF-style: chr13-108861348-C-A.
Other names: c.2269G>T, p.Glu757Ter (NM_001098268.2, NM_001352598.2, NM_001352599.2 and 6 more transcripts); c.2068G>T, p.Glu690Ter (NM_001330595.2); c.2305G>T, p.Glu769Ter (NM_001352604.2); short protein forms E757*, E690*, E769*.
Identifiers: ClinVar variation 3638482 (VCV003638482.2).